The following is an entry in ClinVar:

ClinVar aggregate classification (germline): Conflicting classifications of pathogenicity. Review status: criteria provided, conflicting classifications (1 of 4 stars). 4 submissions from 4 submitters: Uncertain significance (3); Likely benign (1). Last evaluated 2025-08-25.

Conditions:
Autosomal dominant nonsyndromic hearing loss 27. Also called: Deafness, autosomal dominant 27. Identifiers: Orphanet 90635, MedGen C3887929, MONDO:0012902, OMIM 612431.
Wilms tumor 6 (WT6). Also called: WILMS TUMOR 6, SUSCEPTIBILITY TO. Identifiers: Orphanet 654, MedGen C3891301, MONDO:0014779, OMIM 616806.
Fibromatosis, gingival, 5. Also called: FIBROMATOSIS, GINGIVAL, HEREDITARY, 5. Identifiers: MedGen C4539942, MONDO:0033493, OMIM 617626.
REST-related disorder. Also called: REST-related condition.
Inborn genetic diseases. Identifiers: MedGen C0950123, MeSH D030342.

Allele frequency attached by ClinVar (database versions not stated): ExAC 0.00002.
gnomAD v4.1: 33 of 1,614,070 alleles (0.002%); highest among the groups gnomAD compares: Non-Finnish European, 0.0025%; no homozygotes.

Submissions (4):

Ambry Genetics
Classification: Likely benign for Inborn genetic diseases. Last evaluated: 2025-08-25. Review status: criteria provided, single submitter. Criteria: Ambry Variant Classification Scheme 2023. Collection method: clinical testing. Allele origin: germline.

Labcorp Genetics (formerly Invitae), Labcorp
Classification: Uncertain significance. Last evaluated: 2024-12-02. Review status: criteria provided, single submitter. Criteria: Invitae Variant Classification Sherloc (09022015). Collection method: clinical testing. Allele origin: germline.
Comment: This sequence change replaces arginine, which is basic and polar, with histidine, which is basic and polar, at codon 982 of the REST protein (p.Arg982His). This variant is present in population databases (rs781705605, gnomAD 0.003%). This variant has not been reported in the literature in individuals affected with REST-related conditions. ClinVar contains an entry for this variant (Variation ID: 2631848). An algorithm developed to predict the effect of missense changes on protein structure and function outputs the following: PolyPhen-2: "Benign". The histidine amino acid residue is found in multiple mammalian species, which suggests that this missense change does not adversely affect protein function. In summary, the available evidence is currently insufficient to determine the role of this variant in disease. Therefore, it has been classified as a Variant of Uncertain Significance.

Fulgent Genetics
Classification: Uncertain significance for Autosomal dominant nonsyndromic hearing loss 27; Wilms tumor 6; Fibromatosis, gingival, 5. Last evaluated: 2024-02-07. Review status: criteria provided, single submitter. Criteria: ACMG Guidelines, 2015. Collection method: clinical testing. Allele origin: germline.

PreventionGenetics, part of Exact Sciences
Classification: Uncertain significance for REST-related condition. Last evaluated: 2022-12-19. Review status: criteria provided, single submitter. Criteria: ACMG Guidelines, 2015. Collection method: clinical testing. Allele origin: germline.
Comment: The REST c.2945G>A variant is predicted to result in the amino acid substitution p.Arg982His. To our knowledge, this variant has not been reported in the literature. This variant is reported in 0.0033% of alleles in individuals of South Asian descent in gnomAD. At this time, the clinical significance of this variant is uncertain due to the absence of conclusive functional and genetic evidence.

NM_005612.5(REST):c.2945G>A (p.Arg982His)

Gene: REST (RE1 silencing transcription factor; plus strand). Cytogenetic location: 4q12.
Variant type: single nucleotide variant.
Coding change: c.2945G>A on transcript NM_005612.5 (MANE Select); coding-DNA position 2945, G replaced by A.
Protein change: p.Arg982His; replaces arginine 982 with histidine.
Molecular consequence: missense variant.
Genome position (GRCh38, 1-based): chr4:56,931,803, G>A. VCF-style: chr4-56931803-G-A. GRCh37 (hg19) VCF-style: chr4-57797969-G-A.
Other names: c.2945G>A, p.Arg982His (NM_001193508.2, NM_001363453.3); short protein forms R982H.
Identifiers: ClinVar variation 2631848 (VCV002631848.6), dbSNP rs781705605, ClinGen allele CA2932590.